The following is an entry in ClinVar:

ClinVar aggregate classification (germline): Uncertain significance. Review status: criteria provided, multiple submitters, no conflicts (2 of 4 stars). 2 submissions from 2 submitters: Uncertain significance (2). Last evaluated 2025-08-30.

Conditions:
Inborn genetic diseases. Identifiers: MedGen C0950123, MeSH D030342.

Allele frequency attached by ClinVar (database versions not stated): gnomAD exomes below 0.00001.
gnomAD v4.1: 2 of 1,210,083 alleles (0.00017%); highest among the groups gnomAD compares: Non-Finnish European, 0.00022%; no homozygotes.

Submissions (2):

GeneDx
Classification: Uncertain significance. Last evaluated: 2025-08-30. Review status: criteria provided, single submitter. Criteria: GeneDx Variant Classification Process June 2021. Collection method: clinical testing. Allele origin: germline.
Comment: Not observed at significant frequency in large population cohorts (gnomAD); In silico analysis supports that this missense variant has a deleterious effect on protein structure/function; Has not been previously published as pathogenic or benign to our knowledge

Ambry Genetics
Classification: Uncertain significance for Inborn genetic diseases. Last evaluated: 2021-11-19. Review status: criteria provided, single submitter. Criteria: Ambry Variant Classification Scheme 2023. Collection method: clinical testing. Allele origin: germline.

NM_004187.5(KDM5C):c.1099C>T (p.Arg367Trp)

Gene: KDM5C (lysine demethylase 5C; minus strand). Cytogenetic location: Xp11.22.
Variant type: single nucleotide variant.
Coding change: c.1099C>T on transcript NM_004187.5 (MANE Select); coding-DNA position 1099, C replaced by T.
Protein change: p.Arg367Trp; replaces arginine 367 with tryptophan.
Molecular consequence: missense variant. On other transcripts: non-coding transcript variant (3).
Genome position (GRCh38, 1-based): chrX:53,214,712, G>A on the plus strand (C>T on the coding strand, the complement: KDM5C is on the minus strand). VCF-style: chrX-53214712-G-A. GRCh37 (hg19) VCF-style: chrX-53243894-G-A.
Other names: c.898C>T, p.Arg300Trp (NM_001146702.2); c.1096C>T, p.Arg366Trp (NM_001282622.3, NM_001353979.2, NM_001353982.2); c.1099C>T, p.Arg367Trp (NM_001353978.3, NM_001353981.2, NM_001353984.2); c.1099C>T (NM_004187.2); short protein forms R300W, R366W, R367W.
Identifiers: ClinVar variation 2254684 (VCV002254684.4), dbSNP rs2073692420, ClinGen allele CA413131921.